The following is an entry in ClinVar:

NM_177438.3(DICER1):c.276T>G (p.Asn92Lys)

Gene: DICER1 (dicer 1, ribonuclease III; minus strand). Cytogenetic location: 14q32.13.
Variant type: single nucleotide variant.
Coding change: c.276T>G on transcript NM_177438.3 (MANE Select); coding-DNA position 276, T replaced by G.
Protein change: p.Asn92Lys; replaces asparagine 92 with lysine.
Molecular consequence: missense variant. On other transcripts: initiator codon variant (7), 5 prime UTR variant (2), non-coding transcript variant (6).
Genome position (GRCh38, 1-based): chr14:95,132,546, A>C on the plus strand (T>G on the coding strand, the complement: DICER1 is on the minus strand). VCF-style: chr14-95132546-A-C. GRCh37 (hg19) VCF-style: chr14-95598883-A-C.
Other names: c.276T>G, p.Asn92Lys (NM_001291628.2, NM_001395677.1, NM_001395678.1 and 14 more transcripts); c.2T>G, p.Met1Arg (NM_001395686.1, NM_001395687.1, NM_001395688.1 and 4 more transcripts); c.-183T>G (NM_001395691.1); c.-1293T>G (NM_001395697.1); short protein forms N92K, M1R.
Identifiers: ClinVar variation 4766655 (VCV004766655.1).

ClinVar aggregate classification (germline): Uncertain significance (1 of 4 stars; one submission).

Conditions:
DICER1-related tumor predisposition. Also called: DICER1-related pleuropulmonary blastoma cancer predisposition syndrome; DICER1 syndrome. Identifiers: Orphanet 284343, MedGen C3839822, MONDO:0100216.

Submission:

Labcorp Genetics (formerly Invitae), Labcorp
Classification: Uncertain significance for DICER1-related tumor predisposition. Last evaluated: 2025-12-23. Review status: criteria provided, single submitter. Criteria: Invitae Variant Classification Sherloc (09022015). Collection method: clinical testing. Allele origin: germline.
Comment: This sequence change replaces asparagine, which is neutral and polar, with lysine, which is basic and polar, at codon 92 of the DICER1 protein (p.Asn92Lys). This variant is not present in population databases (gnomAD no frequency). This variant has not been reported in the literature in individuals affected with DICER1-related conditions. Invitae Evidence Modeling of protein sequence and biophysical properties (such as structural, functional, and spatial information, amino acid conservation, physicochemical variation, residue mobility, and thermodynamic stability) indicates that this missense variant is not expected to disrupt DICER1 protein function with a negative predictive value of 95%. In summary, the available evidence is currently insufficient to determine the role of this variant in disease. Therefore, it has been classified as a Variant of Uncertain Significance.